The following is an entry in ClinVar:

NM_004656.4(BAP1):c.878C>A (p.Pro293Gln)

Gene: BAP1 (BRCA1 associated deubiquitinase 1; minus strand). Cytogenetic location: 3p21.1.
Variant type: single nucleotide variant.
Coding change: c.878C>A on transcript NM_004656.4 (MANE Select); coding-DNA position 878, C replaced by A.
Protein change: p.Pro293Gln; replaces proline 293 with glutamine.
Molecular consequence: missense variant.
Genome position (GRCh38, 1-based): chr3:52,405,818, G>T on the plus strand (C>A on the coding strand, the complement: BAP1 is on the minus strand). VCF-style: chr3-52405818-G-T. GRCh37 (hg19) VCF-style: chr3-52439834-G-T.
Other names: c.824C>A, p.Pro275Gln (NM_001410772.1); short protein forms P275Q, P293Q.
Identifiers: ClinVar variation 1977468 (VCV001977468.5), dbSNP rs777664260, ClinGen allele CA353106667.

ClinVar aggregate classification (germline): Uncertain significance (1 of 4 stars; one submission).

Conditions:
BAP1-related tumor predisposition syndrome (TPDS1). Also called: TUMOR PREDISPOSITION SYNDROME 1; BAP1 tumor predisposition syndrome; Tumor susceptibility linked to germline BAP1 mutations; COMMON Syndrome. Identifiers: Orphanet 289539, MedGen C3280492, MONDO:0013692, OMIM 614327.

Submission:

Labcorp Genetics (formerly Invitae), Labcorp
Classification: Uncertain significance for BAP1-related tumor predisposition syndrome. Last evaluated: 2022-03-05. Review status: criteria provided, single submitter. Criteria: Invitae Variant Classification Sherloc (09022015). Collection method: clinical testing. Allele origin: germline.
Comment: This sequence change replaces proline, which is neutral and non-polar, with glutamine, which is neutral and polar, at codon 293 of the BAP1 protein (p.Pro293Gln). This variant is not present in population databases (gnomAD no frequency). This variant has not been reported in the literature in individuals affected with BAP1-related conditions. Algorithms developed to predict the effect of missense changes on protein structure and function are either unavailable or do not agree on the potential impact of this missense change (SIFT: "Deleterious"; PolyPhen-2: "Benign"; Align-GVGD: "Class C0"). In summary, the available evidence is currently insufficient to determine the role of this variant in disease. Therefore, it has been classified as a Variant of Uncertain Significance.